The following is an entry in ClinVar:

ClinVar aggregate classification (germline): Uncertain significance (1 of 4 stars; one submission).

Conditions:
Congenital contractural arachnodactyly (CCA). Also called: BEALS SYNDROME; Arthrogryposis, distal, type 9; Beals-Hecht syndrome. Identifiers: Orphanet 115, MedGen C0220668, MONDO:0007363, OMIM 121050.

Allele frequency attached by ClinVar (database versions not stated): gnomAD exomes below 0.00001.
gnomAD v4.1: 1 of 1,592,458 alleles (0.000063%); highest among the groups gnomAD compares: Non-Finnish European, 0.000086%; no homozygotes.

Submission:

Labcorp Genetics (formerly Invitae), Labcorp
Classification: Uncertain significance for Congenital contractural arachnodactyly. Last evaluated: 2022-11-16. Review status: criteria provided, single submitter. Criteria: Invitae Variant Classification Sherloc (09022015). Collection method: clinical testing. Allele origin: germline.
Comment: This sequence change affects codon 177 of the FBN2 mRNA. It is a 'silent' change, meaning that it does not change the encoded amino acid sequence of the FBN2 protein. It affects a nucleotide within the consensus splice site. This variant is not present in population databases (gnomAD no frequency). In summary, the available evidence is currently insufficient to determine the role of this variant in disease. Therefore, it has been classified as a Variant of Uncertain Significance. Algorithms developed to predict the effect of sequence changes on RNA splicing suggest that this variant is not likely to affect RNA splicing. This variant has not been reported in the literature in individuals affected with FBN2-related conditions.

NM_001999.4(FBN2):c.531A>G (p.Gln177=)

Gene: FBN2 (fibrillin 2; minus strand). Cytogenetic location: 5q23.3.
Variant type: single nucleotide variant.
Coding change: c.531A>G on transcript NM_001999.4 (MANE Select); coding-DNA position 531, A replaced by G.
Protein change: p.Gln177=; no amino-acid change (glutamine 177 retained).
Molecular consequence: synonymous variant.
Genome position (GRCh38, 1-based): chr5:128,527,873, T>C on the plus strand (A>G on the coding strand, the complement: FBN2 is on the minus strand). VCF-style: chr5-128527873-T-C. GRCh37 (hg19) VCF-style: chr5-127863566-T-C.
Identifiers: ClinVar variation 2885434 (VCV002885434.3), dbSNP rs1554075870, ClinGen allele CA320480.